The following is an entry in ClinVar:

NM_000094.4(COL7A1):c.7613T>C (p.Met2538Thr)

Gene: COL7A1 (collagen type VII alpha 1 chain; minus strand). Cytogenetic location: 3p21.31.
Variant type: single nucleotide variant.
Coding change: c.7613T>C on transcript NM_000094.4 (MANE Select); coding-DNA position 7613, T replaced by C.
Protein change: p.Met2538Thr; replaces methionine 2538 with threonine.
Molecular consequence: missense variant.
Genome position (GRCh38, 1-based): chr3:48,569,593, A>G on the plus strand (T>C on the coding strand, the complement: COL7A1 is on the minus strand). VCF-style: chr3-48569593-A-G. GRCh37 (hg19) VCF-style: chr3-48607026-A-G.
Other names: short protein forms M2538T.
Identifiers: ClinVar variation 2981315 (VCV002981315.3), dbSNP rs1479527914, ClinGen allele CA352644168.
Genomic context (GRCh38, chr3:48,569,593, plus strand): 5'-GCCCCACGGGGTCCCTCTCGCACCCAGGGGAGACCCAGTCCACACGTGGGCCCACTCACC[A>G]TGTCCCCCTTGGCACCCCGTGGGCCTGGAGGCCCCAGGATCACAGCTGAGTCTCCCTGAG-3'
Protein context (NP_000085.1, residues 2528-2548): PPGPRGAKGD[Met2538Thr]GERGPRGLDG

ClinVar aggregate classification (germline): Uncertain significance (1 of 4 stars; one submission).

Allele frequency attached by ClinVar (database versions not stated): TOPMed 0.00001.
gnomAD v4.1: 1 of 1,613,398 alleles (0.000062%); highest among the groups gnomAD compares: African/African-American, 0.0013%; no homozygotes.

Submission:

Labcorp Genetics (formerly Invitae), Labcorp
Classification: Uncertain significance. Last evaluated: 2023-11-03. Review status: criteria provided, single submitter. Criteria: Invitae Variant Classification Sherloc (09022015). Collection method: clinical testing. Allele origin: germline.
Comment: This sequence change replaces methionine, which is neutral and non-polar, with threonine, which is neutral and polar, at codon 2538 of the COL7A1 protein (p.Met2538Thr). This variant is not present in population databases (gnomAD no frequency). This variant has not been reported in the literature in individuals affected with COL7A1-related conditions. Advanced modeling of protein sequence and biophysical properties (such as structural, functional, and spatial information, amino acid conservation, physicochemical variation, residue mobility, and thermodynamic stability) performed at Invitae indicates that this missense variant is not expected to disrupt COL7A1 protein function with a negative predictive value of 95%. In summary, the available evidence is currently insufficient to determine the role of this variant in disease. Therefore, it has been classified as a Variant of Uncertain Significance.